The following is an entry in ClinVar:

ClinVar aggregate classification (germline): Uncertain significance (1 of 4 stars; one submission).

Conditions:
POLD1-related polyposis and colorectal cancer syndrome (CRCS10). Also called: Colorectal cancer 10; COLORECTAL CANCER, SUSCEPTIBILITY TO, ON CHROMOSOME 19q; Colorectal cancer, susceptibility to, 10. Identifiers: Orphanet 220460, MedGen C2675481, MONDO:0012953, OMIM 612591.

Allele frequency attached by ClinVar (database versions not stated): gnomAD exomes below 0.00001.

Submission:

Labcorp Genetics (formerly Invitae), Labcorp
Classification: Uncertain significance for POLD1-related polyposis and colorectal cancer syndrome. Last evaluated: 2022-01-01. Review status: criteria provided, single submitter. Criteria: Invitae Variant Classification Sherloc (09022015). Collection method: clinical testing. Allele origin: germline.
Comment: This sequence change replaces histidine, which is basic and polar, with arginine, which is basic and polar, at codon 103 of the POLD1 protein (p.His103Arg). This variant is not present in population databases (gnomAD no frequency). This variant has not been reported in the literature in individuals affected with POLD1-related conditions. Algorithms developed to predict the effect of missense changes on protein structure and function are either unavailable or do not agree on the potential impact of this missense change (SIFT: "Tolerated"; PolyPhen-2: "Possibly Damaging"; Align-GVGD: "Class C0"). In summary, the available evidence is currently insufficient to determine the role of this variant in disease. Therefore, it has been classified as a Variant of Uncertain Significance.

NM_002691.4(POLD1):c.308A>G (p.His103Arg)

Gene: POLD1 (DNA polymerase delta 1, catalytic subunit; plus strand). Cytogenetic location: 19q13.33.
Variant type: single nucleotide variant.
Coding change: c.308A>G on transcript NM_002691.4 (MANE Select); coding-DNA position 308, A replaced by G.
Protein change: p.His103Arg; replaces histidine 103 with arginine.
Molecular consequence: missense variant. On other transcripts: non-coding transcript variant (1).
Genome position (GRCh38, 1-based): chr19:50,399,476, A>G. VCF-style: chr19-50399476-A-G. GRCh37 (hg19) VCF-style: chr19-50902733-A-G.
Other names: c.308A>G, p.His103Arg (NM_001256849.1, NM_001308632.1); short protein forms H103R.
Identifiers: ClinVar variation 2060739 (VCV002060739.4), dbSNP rs2513937830, ClinGen allele CA406970676.